The following is an entry in ClinVar:

NM_001942.4(DSG1):c.2647A>G (p.Met883Val)

Genes: DSG1 (desmoglein 1; plus strand), DSG1-AS1 (DSG1 antisense RNA 1; minus strand), LOC126862720 (MED14-independent group 3 enhancer GRCh37_chr18:28933613-28934812; plus strand). Cytogenetic location: 18q12.1.
Variant type: single nucleotide variant.
Coding change: c.2647A>G on transcript NM_001942.4 (MANE Select); coding-DNA position 2647, A replaced by G.
Protein change: p.Met883Val; replaces methionine 883 with valine.
Molecular consequence: missense variant.
Genome position (GRCh38, 1-based): chr18:31,354,843, A>G. VCF-style: chr18-31354843-A-G. GRCh37 (hg19) VCF-style: chr18-28934806-A-G.
Other names: short protein forms M883V.
Identifiers: ClinVar variation 4724490 (VCV004724490.1).

ClinVar aggregate classification (germline): Uncertain significance (1 of 4 stars; one submission).

Submission:

Labcorp Genetics (formerly Invitae), Labcorp
Classification: Uncertain significance. Last evaluated: 2026-01-18. Review status: criteria provided, single submitter. Criteria: Invitae Variant Classification Sherloc (09022015). Collection method: clinical testing. Allele origin: germline.
Comment: This sequence change replaces methionine, which is neutral and non-polar, with valine, which is neutral and non-polar, at codon 883 of the DSG1 protein (p.Met883Val). This variant is not present in population databases (gnomAD no frequency). This variant has not been reported in the literature in individuals affected with DSG1-related conditions. An algorithm developed to predict the effect of missense changes on protein structure and function outputs the following: PolyPhen-2: "Benign". The valine amino acid residue is found in multiple mammalian species, which suggests that this missense change does not adversely affect protein function. In summary, the available evidence is currently insufficient to determine the role of this variant in disease. Therefore, it has been classified as a Variant of Uncertain Significance.